The following is an entry in ClinVar:

ClinVar aggregate classification (germline): Uncertain significance (1 of 4 stars; one submission).

Conditions:
TRPM3-related disorder. Also called: TRPM3-related condition.

Submission:

PreventionGenetics, part of Exact Sciences
Classification: Uncertain significance for TRPM3-related condition. Last evaluated: 2024-11-06. Review status: criteria provided, single submitter. Criteria: ACMG Guidelines, 2015. Collection method: clinical testing. Allele origin: germline.
Comment: The TRPM3 c.188C>T variant is predicted to result in the amino acid substitution p.Ser63Phe. To our knowledge, this variant has not been reported in the literature or in a large population database (gnomAD), indicating this variant is rare. At this time, the clinical significance of this variant is uncertain due to the absence of conclusive functional and genetic evidence.

NM_001366145.2(TRPM3):c.188C>T (p.Ser63Phe)

Gene: TRPM3 (transient receptor potential cation channel subfamily M member 3; minus strand). Cytogenetic location: 9q21.12.
Variant type: single nucleotide variant.
Coding change: c.188C>T on transcript NM_001366145.2 (MANE Select); coding-DNA position 188, C replaced by T.
Protein change: p.Ser63Phe; replaces serine 63 with phenylalanine.
Molecular consequence: missense variant. On other transcripts: 5 prime UTR variant (9).
Genome position (GRCh38, 1-based): chr9:70,864,501, G>A on the plus strand (C>T on the coding strand, the complement: TRPM3 is on the minus strand). VCF-style: chr9-70864501-G-A. GRCh37 (hg19) VCF-style: chr9-73479417-G-A.
Other names: c.-272C>T (NM_206947.5, NM_206948.4, NM_001007470.3 and 6 more transcripts); c.188C>T, p.Ser63Phe (NM_001007471.4, NM_001366146.2, NM_001366147.2 and 6 more transcripts); c.194C>T, p.Ser65Phe (NM_001366141.2, NM_001366142.2, NM_001366143.2 and 1 more transcripts); short protein forms S63F, S65F.
Identifiers: ClinVar variation 2635491 (VCV002635491.2), dbSNP rs2095596642, ClinGen allele CA373561303.